The following is an entry in ClinVar:

ClinVar aggregate classification (germline): Pathogenic (1 of 4 stars; one submission).

Conditions:
Fucosidosis. Also called: ALPHA-L-FUCOSIDASE DEFICIENCY. Identifiers: Orphanet 349, MedGen C0016788, MONDO:0009254, OMIM 230000.

Submission:

Labcorp Genetics (formerly Invitae), Labcorp
Classification: Pathogenic for Fucosidosis. Last evaluated: 2023-08-07. Review status: criteria provided, single submitter. Criteria: Invitae Variant Classification Sherloc (09022015). Collection method: clinical testing. Allele origin: germline.
Comment: For these reasons, this variant has been classified as Pathogenic. A similar copy number variant has been observed in individual(s) with fucosidosis (PMID: 10094192). This variant is a gross deletion of the genomic region encompassing exon(s) 4 of the FUCA1 gene. This deletion is out-of-frame, and is expected to create a premature termination codon and result in an absent or disrupted protein product. Loss-of-function variants in FUCA1 are known to be pathogenic (PMID: 10094192).

Literature cited by the submitters: PubMed 10094192.

NC_000001.11:g.(?_23859778)_(23859923_?)del

Gene: FUCA1 (alpha-L-fucosidase 1; minus strand). Cytogenetic location: 1p36.11.
Variant type: Deletion.
Identifiers: ClinVar variation 656837 (VCV000656837.8).